The following is an entry in ClinVar:

ClinVar aggregate classification (germline): Uncertain significance (1 of 4 stars; one submission).

Submission:

Labcorp Genetics (formerly Invitae), Labcorp
Classification: Uncertain significance. Last evaluated: 2023-05-23. Review status: criteria provided, single submitter. Criteria: Invitae Variant Classification Sherloc (09022015). Collection method: clinical testing. Allele origin: germline.
Comment: In summary, the available evidence is currently insufficient to determine the role of this variant in disease. Therefore, it has been classified as a Variant of Uncertain Significance. Advanced modeling of protein sequence and biophysical properties (such as structural, functional, and spatial information, amino acid conservation, physicochemical variation, residue mobility, and thermodynamic stability) performed at Invitae indicates that this missense variant is not expected to disrupt EFEMP1 protein function. This variant has not been reported in the literature in individuals affected with EFEMP1-related conditions. This variant is not present in population databases (gnomAD no frequency). This sequence change replaces arginine, which is basic and polar, with glycine, which is neutral and non-polar, at codon 185 of the EFEMP1 protein (p.Arg185Gly).

NM_001039348.3(EFEMP1):c.553A>G (p.Arg185Gly)

Gene: EFEMP1 (EGF-like fibulin extracellular matrix protein 1; minus strand). Cytogenetic location: 2p16.1.
Variant type: single nucleotide variant.
Coding change: c.553A>G on transcript NM_001039348.3 (MANE Select); coding-DNA position 553, A replaced by G.
Protein change: p.Arg185Gly; replaces arginine 185 with glycine.
Molecular consequence: missense variant.
Genome position (GRCh38, 1-based): chr2:55,881,699, T>C on the plus strand (A>G on the coding strand, the complement: EFEMP1 is on the minus strand). VCF-style: chr2-55881699-T-C. GRCh37 (hg19) VCF-style: chr2-56108834-T-C.
Other names: c.553A>G, p.Arg185Gly (NM_001039349.3); short protein forms R185G.
Identifiers: ClinVar variation 2981208 (VCV002981208.3), dbSNP rs1214372686, ClinGen allele CA347029621.